The following is an entry in ClinVar:

ClinVar aggregate classification (germline): Uncertain significance (1 of 4 stars; one submission).

Conditions:
Amyotrophic lateral sclerosis type 1 (ALS1). Also called: AMYOTROPHIC LATERAL SCLEROSIS 1, FAMILIAL. Identifiers: Orphanet 803, MedGen C1862939, MONDO:0007103, OMIM 105400.
Perry syndrome. Also called: PARKINSONISM WITH ALVEOLAR HYPOVENTILATION AND MENTAL DEPRESSION. Identifiers: Orphanet 178509, MedGen C1868594, MONDO:0008201, OMIM 168605.
Neuronopathy, distal hereditary motor, type 7B. Also called: Distal Hereditary Motor Neuronopathy Type 7B (dHMN7B); HMN VIIB; LOWER MOTOR NEURON DISEASE, DYNACTIN TYPE; NEURONOPATHY, DISTAL HEREDITARY MOTOR, HARDING TYPE VIIB; NEUROPATHY, DISTAL HEREDITARY MOTOR, HARDING TYPE VIIB; NEUROPATHY, DISTAL HEREDITARY MOTOR, WITH VOCAL CORD PARALYSIS, HARDING TYPE VIIB. Identifiers: Orphanet 139589, MedGen C1843315, MONDO:0011879, OMIM 607641.

Allele frequency attached by ClinVar (database versions not stated): TOPMed below 0.00001; gnomAD 0.00001.
gnomAD v4.1: 1 of 1,614,050 alleles (0.000062%); highest among the groups gnomAD compares: African/African-American, 0.0013%; no homozygotes.

Submission:

Labcorp Genetics (formerly Invitae), Labcorp
Classification: Uncertain significance for Amyotrophic lateral sclerosis type 1; Neuronopathy, distal hereditary motor, type 7B; Perry syndrome. Last evaluated: 2020-06-30. Review status: criteria provided, single submitter. Criteria: Invitae Variant Classification Sherloc (09022015). Collection method: clinical testing. Allele origin: germline.
Comment: This sequence change falls in intron 9 of the DCTN1 gene. It does not directly change the encoded amino acid sequence of the DCTN1 protein. This variant is not present in population databases (ExAC no frequency). This variant has not been reported in the literature in individuals with DCTN1-related conditions. Algorithms developed to predict the effect of sequence changes on RNA splicing suggest that this variant may disrupt the consensus splice site, but this prediction has not been confirmed by published transcriptional studies. In summary, the available evidence is currently insufficient to determine the role of this variant in disease. Therefore, it has been classified as a Variant of Uncertain Significance.

NM_004082.5(DCTN1):c.844-5C>G

Gene: DCTN1 (dynactin subunit 1; minus strand). Cytogenetic location: 2p13.1.
Variant type: single nucleotide variant.
Coding change: c.844-5C>G on transcript NM_004082.5 (MANE Select); 5 bases into the intron before coding-DNA position 844, C replaced by G.
Molecular consequence: intron variant.
Genome position (GRCh38, 1-based): chr2:74,370,830, G>C on the plus strand (C>G on the coding strand, the complement: DCTN1 is on the minus strand). VCF-style: chr2-74370830-G-C. GRCh37 (hg19) VCF-style: chr2-74597957-G-C.
Other names: c.733-5C>G (NM_001190836.2); c.775-5C>G (NM_001378992.1); c.793-5C>G (NM_001378991.1); c.784-5C>G (NM_001135040.3); c.823-5C>G (NM_001190837.2); c.442-5C>G (NM_001135041.3, NM_023019.4).
Identifiers: ClinVar variation 1056643 (VCV001056643.9), dbSNP rs1435999777, ClinGen allele CA892920049.